The following is an entry in ClinVar:

NM_001395159.1(UNC79):c.764G>A (p.Trp255Ter)

Gene: UNC79 (unc-79 subunit of NALCN channel complex; plus strand). Cytogenetic location: 14q32.12.
Variant type: single nucleotide variant.
Coding change: c.764G>A on transcript NM_001395159.1 (MANE Select); coding-DNA position 764, G replaced by A.
Protein change: p.Trp255Ter; replaces tryptophan 255 with a stop codon.
Molecular consequence: nonsense.
Genome position (GRCh38, 1-based): chr14:93,496,462, G>A. VCF-style: chr14-93496462-G-A. GRCh37 (hg19) VCF-style: chr14-93962808-G-A.
Other names: c.764G>A, p.Trp255Ter (NM_001346218.2); c.233G>A, p.Trp78Ter (NM_020818.5); short protein forms W255*, W78*.
Identifiers: ClinVar variation 4890739 (VCV004890739.1).
Genomic context (GRCh38, chr14:93,496,462, plus strand): 5'-ACATTACAGTGTATCATTGTCAATTACTGGAATGCCTCATGAAATATAAACAAGAAGTCT[G>A]GAAAGTAAGTTTTGGGTCAAATTTAACCCATAGTCACAAACTTAATTTGTATAATACAGT-3'

ClinVar aggregate classification (germline): Pathogenic (1 of 4 stars; one submission).

Conditions:
UNC79-associated neurodevelopmental disorder.

Submission:

Institute of Human Genetics, University of Leipzig Medical Center
Classification: Pathogenic for UNC79-associated neurodevelopmental disorder. Last evaluated: 2026-08-10. Review status: criteria provided, single submitter. Criteria: ACMG Guidelines, 2015. Collection method: clinical testing. Allele origin: unknown. Inheritance: Autosomal dominant inheritance. Affected: yes.
Comment: Criteria applied: PVS1,PM2

Literature cited by the submitters: PubMed 37183800.